The following is an entry in ClinVar:

NM_000548.5(TSC2):c.1443+3G>T

Gene: TSC2 (TSC complex subunit 2; plus strand). Cytogenetic location: 16p13.3.
Variant type: single nucleotide variant.
Coding change: c.1443+3G>T on transcript NM_000548.5 (MANE Select); 3 bases into the intron after coding-DNA position 1443, G replaced by T.
Molecular consequence: intron variant.
Genome position (GRCh38, 1-based): chr16:2,063,056, G>T. VCF-style: chr16-2063056-G-T. GRCh37 (hg19) VCF-style: chr16-2113057-G-T.
Other names: c.1443+3G>T (NM_001406665.1, NM_001370404.1, NM_001077183.3 and 6 more transcripts); c.99+3G>T (NM_001406694.1, NM_001406695.1, NM_001406696.1 and 6 more transcripts); c.1431+3G>T (NM_001406671.1, NM_001406673.1); c.981+3G>T (NM_001406681.1); c.1332+3G>T (NM_001406670.1, NM_001318827.2, NM_001406678.1); c.843+3G>T (NM_001406682.1, NM_001406684.1, NM_001406685.1 and 6 more transcripts); c.1386+3G>T (NM_001406677.1); c.1296+3G>T (NM_001406675.1, NM_001406676.1, NM_001318829.2 and 1 more transcripts); and 3 more.
Identifiers: ClinVar variation 3655087 (VCV003655087.2).

ClinVar aggregate classification (germline): Uncertain significance (1 of 4 stars; one submission).

Conditions:
Tuberous sclerosis 2 (TSC2). Identifiers: Orphanet 805, MedGen C1860707, MONDO:0013199, OMIM 613254.

Submission:

Labcorp Genetics (formerly Invitae), Labcorp
Classification: Uncertain significance for Tuberous sclerosis 2. Last evaluated: 2024-05-31. Review status: criteria provided, single submitter. Criteria: Invitae Variant Classification Sherloc (09022015). Collection method: clinical testing. Allele origin: germline.
Comment: This sequence change falls in intron 14 of the TSC2 gene. It does not directly change the encoded amino acid sequence of the TSC2 protein. It affects a nucleotide within the consensus splice site. This variant is not present in population databases (gnomAD no frequency). This variant has not been reported in the literature in individuals affected with TSC2-related conditions. Variants that disrupt the consensus splice site are a relatively common cause of aberrant splicing (PMID: 17576681, 9536098). Algorithms developed to predict the effect of sequence changes on RNA splicing suggest that this variant is not likely to affect RNA splicing. In summary, the available evidence is currently insufficient to determine the role of this variant in disease. Therefore, it has been classified as a Variant of Uncertain Significance.

Literature cited by the submitters: PubMed 17576681; PubMed 9536098.